The following is an entry in ClinVar:

ClinVar aggregate classification (germline): Uncertain significance (1 of 4 stars; one submission).

gnomAD v4.1: 1 of 1,613,792 alleles (0.000062%); highest among the groups gnomAD compares: Non-Finnish European, 0.000085%; no homozygotes.

Submission:

Labcorp Genetics (formerly Invitae), Labcorp
Classification: Uncertain significance. Last evaluated: 2024-01-19. Review status: criteria provided, single submitter. Criteria: Invitae Variant Classification Sherloc (09022015). Collection method: clinical testing. Allele origin: germline.
Comment: This sequence change replaces cysteine, which is neutral and slightly polar, with tryptophan, which is neutral and slightly polar, at codon 2457 of the FBN3 protein (p.Cys2457Trp). This variant is not present in population databases (gnomAD no frequency). This variant has not been reported in the literature in individuals affected with FBN3-related conditions. Advanced modeling of protein sequence and biophysical properties (such as structural, functional, and spatial information, amino acid conservation, physicochemical variation, residue mobility, and thermodynamic stability) performed at Invitae indicates that this missense variant is expected to disrupt FBN3 protein function with a positive predictive value of 80%. In summary, the available evidence is currently insufficient to determine the role of this variant in disease. Therefore, it has been classified as a Variant of Uncertain Significance.

NM_032447.5(FBN3):c.7371T>G (p.Cys2457Trp)

Gene: FBN3 (fibrillin 3; minus strand). Cytogenetic location: 19p13.2.
Variant type: single nucleotide variant.
Coding change: c.7371T>G on transcript NM_032447.5 (MANE Select); coding-DNA position 7371, T replaced by G.
Protein change: p.Cys2457Trp; replaces cysteine 2457 with tryptophan.
Molecular consequence: missense variant.
Genome position (GRCh38, 1-based): chr19:8,081,085, A>C on the plus strand (T>G on the coding strand, the complement: FBN3 is on the minus strand). VCF-style: chr19-8081085-A-C. GRCh37 (hg19) VCF-style: chr19-8145969-A-C.
Other names: c.7371T>G, p.Cys2457Trp (NM_001321431.2); short protein forms C2457W.
Identifiers: ClinVar variation 2710388 (VCV002710388.3), dbSNP rs2512573613, ClinGen allele CA403706102.